The following is an entry in ClinVar:

ClinVar aggregate classification (germline): Likely benign. Review status: criteria provided, multiple submitters, no conflicts (2 of 4 stars). 4 submissions from 4 submitters: Likely benign (4). Last evaluated 2026-01-19.

Conditions:
Cardiovascular phenotype. Identifiers: MedGen CN230736.
Arrhythmogenic right ventricular dysplasia 12. Also called: ARRHYTHMOGENIC RIGHT VENTRICULAR DYSPLASIA, FAMILIAL, 12. Identifiers: MedGen C1969081, MONDO:0012684, OMIM 611528.
Naxos disease (NXD). Also called: KERATOSIS PALMOPLANTARIS WITH ARRHYTHMOGENIC CARDIOMYOPATHY; MAL DE NAXOS; CARDIOMYOPATHY, ARRHYTHMOGENIC RIGHT VENTRICULAR, WITH SKIN, HAIR, AND NAIL ABNORMALITIES; PALMOPLANTAR KERATODERMA WITH ARRHYTHMOGENIC RIGHT VENTRICULAR CARDIOMYOPATHY AND WOOLLY HAIR; WOOLLY HAIR, PALMOPLANTAR KERATODERMA, AND CARDIAC ABNORMALITIES. Identifiers: Orphanet 34217, MedGen C1832600, MONDO:0011017, OMIM 601214.

Allele frequency attached by ClinVar (database versions not stated): gnomAD exomes 0.00001 and 0.00006; ExAC 0.00006; ESP Exome Variant Server 0.00008; gnomAD 0.00017 and 0.00020; TOPMed 0.00019.
gnomAD v4.1: 44 of 1,606,218 alleles (0.0027%); highest among the groups gnomAD compares: African/African-American, 0.048%; no homozygotes.

Submissions (4):

Labcorp Genetics (formerly Invitae), Labcorp
Classification: Likely benign for Arrhythmogenic right ventricular dysplasia 12; Naxos disease. Last evaluated: 2026-01-19. Review status: criteria provided, single submitter. Criteria: Invitae Variant Classification Sherloc (09022015). Collection method: clinical testing. Allele origin: germline.

Blueprint Genetics
Classification: Likely benign. Last evaluated: 2024-03-09. Review status: criteria provided, single submitter. Criteria: ACMG Guidelines, 2015. Collection method: clinical testing. Allele origin: germline.

Ambry Genetics
Classification: Likely benign for Cardiovascular phenotype. Last evaluated: 2019-09-13. Review status: criteria provided, single submitter. Criteria: Ambry Variant Classification Scheme 2023. Collection method: clinical testing. Allele origin: germline.

GeneDx
Classification: Likely benign. Last evaluated: 2016-12-20. Review status: criteria provided, single submitter. Criteria: GeneDx Variant Classification (06012015). Collection method: clinical testing. Allele origin: germline. Affected: yes.
Comment: This variant is considered likely benign or benign based on one or more of the following criteria: it is a conservative change, it occurs at a poorly conserved position in the protein, it is predicted to be benign by multiple in silico algorithms, and/or has population frequency not consistent with disease.

NM_002230.4(JUP):c.258G>A (p.Arg86=)

Gene: JUP (junction plakoglobin; minus strand). Cytogenetic location: 17q21.2.
Variant type: single nucleotide variant.
Coding change: c.258G>A on transcript NM_002230.4 (MANE Select); coding-DNA position 258, G replaced by A.
Protein change: p.Arg86=; no amino-acid change (arginine 86 retained).
Molecular consequence: synonymous variant.
Genome position (GRCh38, 1-based): chr17:41,769,628, C>T on the plus strand (G>A on the coding strand, the complement: JUP is on the minus strand). VCF-style: chr17-41769628-C-T. GRCh37 (hg19) VCF-style: chr17-39925880-C-T.
Other names: c.258G>A, p.Arg86= (NM_001352773.2, NM_001352774.2, NM_001352775.2 and 3 more transcripts).
Identifiers: ClinVar variation 391993 (VCV000391993.14), dbSNP rs147159111, ClinGen allele CA8565533.